The following is an entry in ClinVar:

ClinVar aggregate classification (germline): Benign/Likely benign. Review status: criteria provided, multiple submitters, no conflicts (2 of 4 stars). 3 submissions from 3 submitters: Benign (1); Likely benign (1). 1 of the submissions does not count toward it. Last evaluated 2023-09-01.

Conditions:
MBTPS2-related disorder. Also called: MBTPS2-related condition.

Allele frequency attached by ClinVar (database versions not stated): ExAC 0.00002.
gnomAD v4.1: 66 of 1,208,705 alleles (0.0055%); highest among the groups gnomAD compares: Admixed American, 0.085%; no homozygotes.

Submissions (3):

CeGaT Center for Human Genetics Tuebingen
Classification: Likely benign. Last evaluated: 2023-09-01. Review status: criteria provided, single submitter. Criteria: CeGaT Center For Human Genetics Tuebingen Variant Classification Criteria Version 2. Collection method: clinical testing. Allele origin: germline. Affected: yes. Observed: 1 variant allele.
Comment: MBTPS2: BP4, BS2

Labcorp Genetics (formerly Invitae), Labcorp
Classification: Benign. Last evaluated: 2022-08-31. Review status: criteria provided, single submitter. Criteria: Invitae Variant Classification Sherloc (09022015). Collection method: clinical testing. Allele origin: germline.

PreventionGenetics, part of Exact Sciences
Classification: Likely benign for MBTPS2-related condition. Last evaluated: 2022-02-09. Review status: no assertion criteria provided. Collection method: clinical testing. Allele origin: germline. Not counted in ClinVar's aggregate classification.
Comment: This variant is classified as likely benign based on ACMG/AMP sequence variant interpretation guidelines (Richards et al. 2015 PMID: 25741868, with internal and published modifications).

NM_015884.4(MBTPS2):c.119A>G (p.Asn40Ser)

Gene: MBTPS2 (membrane bound transcription factor peptidase, site 2; plus strand). Cytogenetic location: Xp22.12.
Variant type: single nucleotide variant.
Coding change: c.119A>G on transcript NM_015884.4 (MANE Select); coding-DNA position 119, A replaced by G.
Protein change: p.Asn40Ser; replaces asparagine 40 with serine.
Molecular consequence: missense variant.
Genome position (GRCh38, 1-based): chrX:21,843,213, A>G. VCF-style: chrX-21843213-A-G. GRCh37 (hg19) VCF-style: chrX-21861331-A-G.
Other names: c.119A>G (NM_015884.3); short protein forms N40S.
Identifiers: ClinVar variation 1575398 (VCV001575398.33), dbSNP rs777980245, ClinGen allele CA10367291.